The following is an entry in ClinVar:

NM_152443.3(RDH12):c.491T>C (p.Val164Ala)

Genes: GPHN (gephyrin; plus strand), RDH12 (retinol dehydrogenase 12; plus strand). Cytogenetic location: 14q24.1.
Variant type: single nucleotide variant.
Coding change: c.491T>C on transcript NM_152443.3 (MANE Select); coding-DNA position 491, T replaced by C.
Protein change: p.Val164Ala; replaces valine 164 with alanine.
Molecular consequence: missense variant.
Genome position (GRCh38, 1-based): chr14:67,727,023, T>C. VCF-style: chr14-67727023-T-C. GRCh37 (hg19) VCF-style: chr14-68193740-T-C.
Other names: short protein forms V164A.
Identifiers: ClinVar variation 1400446 (VCV001400446.8), dbSNP rs760376777, ClinGen allele CA7238731.

ClinVar aggregate classification (germline): Uncertain significance. Review status: criteria provided, multiple submitters, no conflicts (2 of 4 stars). 2 submissions from 2 submitters: Uncertain significance (2). Last evaluated 2024-11-15.

Conditions:
Leber congenital amaurosis 13 (LCA13). Identifiers: MedGen C2675186, MONDO:0012990, OMIM 612712.

Allele frequency attached by ClinVar (database versions not stated): ExAC 0.00001; gnomAD exomes 0.00001; TOPMed 0.00001.
gnomAD v4.1: 7 of 1,613,444 alleles (0.00043%); highest among the groups gnomAD compares: Admixed American, 0.0083%; no homozygotes.

Submissions (2):

Labcorp Genetics (formerly Invitae), Labcorp
Classification: Uncertain significance for Leber congenital amaurosis 13. Last evaluated: 2024-11-15. Review status: criteria provided, single submitter. Criteria: Invitae Variant Classification Sherloc (09022015). Collection method: clinical testing. Allele origin: germline.
Comment: This sequence change replaces valine, which is neutral and non-polar, with alanine, which is neutral and non-polar, at codon 164 of the RDH12 protein (p.Val164Ala). This variant is present in population databases (rs760376777, gnomAD 0.009%). This variant has not been reported in the literature in individuals affected with RDH12-related conditions. ClinVar contains an entry for this variant (Variation ID: 1400446). Invitae Evidence Modeling of protein sequence and biophysical properties (such as structural, functional, and spatial information, amino acid conservation, physicochemical variation, residue mobility, and thermodynamic stability) indicates that this missense variant is not expected to disrupt RDH12 protein function with a negative predictive value of 80%. In summary, the available evidence is currently insufficient to determine the role of this variant in disease. Therefore, it has been classified as a Variant of Uncertain Significance.

Blueprint Genetics
Classification: Uncertain significance. Last evaluated: 2024-01-23. Review status: criteria provided, single submitter. Criteria: ACMG Guidelines, 2015. Collection method: clinical testing. Allele origin: germline.